The following is an entry in ClinVar:

ClinVar aggregate classification (germline): Uncertain significance (1 of 4 stars; one submission).

Allele frequency attached by ClinVar (database versions not stated): TOPMed below 0.00001; gnomAD 0.00001.
gnomAD v4.1: 1 of 1,607,456 alleles (0.000062%); highest among the groups gnomAD compares: Admixed American, 0.0017%; no homozygotes.

Submission:

Labcorp Genetics (formerly Invitae), Labcorp
Classification: Uncertain significance. Last evaluated: 2022-05-12. Review status: criteria provided, single submitter. Criteria: Invitae Variant Classification Sherloc (09022015). Collection method: clinical testing. Allele origin: germline.
Comment: This sequence change replaces glutamine, which is neutral and polar, with arginine, which is basic and polar, at codon 229 of the IARS2 protein (p.Gln229Arg). This variant is present in population databases (no rsID available, gnomAD 0.1%). In summary, the available evidence is currently insufficient to determine the role of this variant in disease. Therefore, it has been classified as a Variant of Uncertain Significance. Algorithms developed to predict the effect of missense changes on protein structure and function (SIFT, PolyPhen-2, Align-GVGD) all suggest that this variant is likely to be tolerated. This variant has not been reported in the literature in individuals affected with IARS2-related conditions.

NM_018060.4(IARS2):c.686A>G (p.Gln229Arg)

Gene: IARS2 (isoleucyl-tRNA synthetase 2, mitochondrial; plus strand). Cytogenetic location: 1q41.
Variant type: single nucleotide variant.
Coding change: c.686A>G on transcript NM_018060.4 (MANE Select); coding-DNA position 686, A replaced by G.
Protein change: p.Gln229Arg; replaces glutamine 229 with arginine.
Molecular consequence: missense variant.
Genome position (GRCh38, 1-based): chr1:220,102,264, A>G. VCF-style: chr1-220102264-A-G. GRCh37 (hg19) VCF-style: chr1-220275606-A-G.
Other names: short protein forms Q229R.
Identifiers: ClinVar variation 1993685 (VCV001993685.4), dbSNP rs1231019285, ClinGen allele CA344625833.